The following is an entry in ClinVar:

NM_001135146.2(SLC39A8):c.137C>T (p.Ala46Val)

Gene: SLC39A8 (solute carrier family 39 member 8; minus strand). Cytogenetic location: 4q24.
Variant type: single nucleotide variant.
Coding change: c.137C>T on transcript NM_001135146.2 (MANE Select); coding-DNA position 137, C replaced by T.
Protein change: p.Ala46Val; replaces alanine 46 with valine.
Molecular consequence: missense variant.
Genome position (GRCh38, 1-based): chr4:102,344,526, G>A on the plus strand (C>T on the coding strand, the complement: SLC39A8 is on the minus strand). VCF-style: chr4-102344526-G-A. GRCh37 (hg19) VCF-style: chr4-103265683-G-A.
Other names: c.137C>T, p.Ala46Val (NM_001135147.1, NM_022154.5); short protein forms A46V.
Identifiers: ClinVar variation 2365366 (VCV002365366.4), dbSNP rs746104538, ClinGen allele CA3025732.

ClinVar aggregate classification (germline): Uncertain significance. Review status: criteria provided, multiple submitters, no conflicts (2 of 4 stars). 2 submissions from 2 submitters: Uncertain significance (2). Last evaluated 2024-02-24.

Conditions:
Inborn genetic diseases. Identifiers: MedGen C0950123, MeSH D030342.

Allele frequency attached by ClinVar (database versions not stated): gnomAD 0.00005; TOPMed 0.00006.
gnomAD v4.1: 216 of 1,558,644 alleles (0.014%); highest among the groups gnomAD compares: Non-Finnish European, 0.018%; no homozygotes.

Submissions (2):

Labcorp Genetics (formerly Invitae), Labcorp
Classification: Uncertain significance. Last evaluated: 2024-02-24. Review status: criteria provided, single submitter. Criteria: Invitae Variant Classification Sherloc (09022015). Collection method: clinical testing. Allele origin: germline.
Comment: This sequence change replaces alanine, which is neutral and non-polar, with valine, which is neutral and non-polar, at codon 46 of the SLC39A8 protein (p.Ala46Val). This variant is present in population databases (rs746104538, gnomAD 0.02%). This variant has not been reported in the literature in individuals affected with SLC39A8-related conditions. ClinVar contains an entry for this variant (Variation ID: 2365366). Algorithms developed to predict the effect of missense changes on protein structure and function output the following: SIFT: "Not Available"; PolyPhen-2: "Benign"; Align-GVGD: "Not Available". The valine amino acid residue is found in multiple mammalian species, which suggests that this missense change does not adversely affect protein function. In summary, the available evidence is currently insufficient to determine the role of this variant in disease. Therefore, it has been classified as a Variant of Uncertain Significance.

Ambry Genetics
Classification: Uncertain significance for Inborn genetic diseases. Last evaluated: 2021-08-17. Review status: criteria provided, single submitter. Criteria: Ambry Variant Classification Scheme 2023. Collection method: clinical testing. Allele origin: germline.